The following is an entry in ClinVar:

ClinVar aggregate classification (germline): Uncertain significance (1 of 4 stars; one submission).

Conditions:
Epidermolysis bullosa simplex with nail dystrophy (EBS5D). Identifiers: MedGen C4225309, MONDO:0014661, OMIM 616487.
Epidermolysis bullosa simplex, Ogna type (EBS5A). Also called: EPIDERMOLYSIS BULLOSA SIMPLEX 5A, OGNA TYPE; Pidermolysis bullosa simplex 5A, Ogna type. Identifiers: Orphanet 79401, MedGen C0432317, MONDO:0007555, OMIM 131950.
Autosomal recessive limb-girdle muscular dystrophy type 2Q (LGMDR17). Also called: MUSCULAR DYSTROPHY, LIMB-GIRDLE, AUTOSOMAL RECESSIVE 17. Identifiers: Orphanet 254361, MedGen C3150989, MONDO:0013390, OMIM 613723.
Epidermolysis bullosa simplex 5B, with muscular dystrophy (EBS5B). Also called: EPIDERMOLYSIS BULLOSA SIMPLEX AND LIMB-GIRDLE MUSCULAR DYSTROPHY; Epidermolysis bullosa simplex with muscular dystrophy. Identifiers: Orphanet 257, MedGen C2931072, MONDO:0009181, OMIM 226670.
Epidermolysis bullosa simplex 5C, with pyloric atresia (EBS5C). Also called: PLEC-Related Epidermolysis Bullosa with Pyloric Atresia; Epidermolysis bullosa simplex with pyloric atresia; PLEC1-Related Epidermolysis Bullosa with Pyloric Atresia. Identifiers: Orphanet 158684, MedGen C2677349, MONDO:0012807, OMIM 612138.

gnomAD v4.1: 3 of 1,612,804 alleles (0.00019%); highest among the groups gnomAD compares: African/African-American, 0.004%; no homozygotes.

Submission:

Labcorp Genetics (formerly Invitae), Labcorp
Classification: Uncertain significance for Autosomal recessive limb-girdle muscular dystrophy type 2Q; Epidermolysis bullosa simplex, Ogna type; Epidermolysis bullosa simplex with nail dystrophy; Epidermolysis bullosa simplex 5C, with pyloric atresia; Epidermolysis bullosa simplex 5B, with muscular dystrophy. Last evaluated: 2025-08-17. Review status: criteria provided, single submitter. Criteria: Invitae Variant Classification Sherloc (09022015). Collection method: clinical testing. Allele origin: germline.
Comment: This sequence change replaces alanine, which is neutral and non-polar, with valine, which is neutral and non-polar, at codon 3682 of the PLEC protein (p.Ala3682Val). This variant is not present in population databases (gnomAD no frequency). This variant has not been reported in the literature in individuals affected with PLEC-related conditions. An algorithm developed to predict the effect of missense changes on protein structure and function (PolyPhen-2) suggests that this variant is likely to be disruptive. In summary, the available evidence is currently insufficient to determine the role of this variant in disease. Therefore, it has been classified as a Variant of Uncertain Significance.

NM_201384.3(PLEC):c.10964C>T (p.Ala3655Val)

Gene: PLEC (plectin; minus strand). Cytogenetic location: 8q24.3.
Variant type: single nucleotide variant.
Coding change: c.10964C>T on transcript NM_201384.3 (MANE Select); coding-DNA position 10964, C replaced by T.
Protein change: p.Ala3655Val; replaces alanine 3655 with valine.
Molecular consequence: missense variant.
Genome position (GRCh38, 1-based): chr8:143,918,857, G>A on the plus strand (C>T on the coding strand, the complement: PLEC is on the minus strand). VCF-style: chr8-143918857-G-A. GRCh37 (hg19) VCF-style: chr8-144993025-G-A.
Other names: c.11045C>T, p.Ala3682Val (NM_000445.5); c.7664C>T, p.Ala2555Val (NM_001410941.1); c.10922C>T, p.Ala3641Val (NM_201378.4); c.10898C>T, p.Ala3633Val (NM_201379.3); c.11375C>T, p.Ala3792Val (NM_201380.4); c.10868C>T, p.Ala3623Val (NM_201381.3); c.10964C>T, p.Ala3655Val (NM_201382.4); c.10976C>T, p.Ala3659Val (NM_201383.3); short protein forms A3641V, A3792V, A3655V, A3682V, A2555V, A3623V, A3633V, A3659V.
Identifiers: ClinVar variation 4790843 (VCV004790843.1).